The following is an entry in ClinVar:

NM_001378454.1(ALMS1):c.3260C>G (p.Thr1087Ser)

Gene: ALMS1 (ALMS1 centrosome and basal body associated protein; plus strand). Cytogenetic location: 2p13.1.
Variant type: single nucleotide variant.
Coding change: c.3260C>G on transcript NM_001378454.1 (MANE Select); coding-DNA position 3260, C replaced by G.
Protein change: p.Thr1087Ser; replaces threonine 1087 with serine.
Molecular consequence: missense variant.
Genome position (GRCh38, 1-based): chr2:73,449,787, C>G. VCF-style: chr2-73449787-C-G. GRCh37 (hg19) VCF-style: chr2-73676914-C-G.
Other names: c.3263C>G, p.Thr1088Ser (NM_015120.4); short protein forms T1087S, T1088S.
Identifiers: ClinVar variation 3057414 (VCV003057414.1), dbSNP rs1369981510, ClinGen allele CA347274620.

ClinVar aggregate classification (germline): Likely benign (1 of 4 stars; one submission).

Conditions:
ALMS1-related disorder. Also called: ALMS1-related condition.

Submission:

PreventionGenetics, part of Exact Sciences
Classification: Likely benign for ALMS1-related condition. Last evaluated: 2020-08-24. Review status: criteria provided, single submitter. Criteria: ACMG Guidelines, 2015. Collection method: clinical testing. Allele origin: germline.
Comment: This variant is classified as likely benign based on ACMG/AMP sequence variant interpretation guidelines (Richards et al. 2015 PMID: 25741868, with internal and published modifications).